The following is an entry in ClinVar:

ClinVar aggregate classification (germline): Uncertain significance (1 of 4 stars; one submission).

Conditions:
Inborn genetic diseases. Identifiers: MedGen C0950123, MeSH D030342.

Submission:

Ambry Genetics
Classification: Uncertain significance for Inborn genetic diseases. Last evaluated: 2023-07-29. Review status: criteria provided, single submitter. Criteria: Ambry Variant Classification Scheme 2023. Collection method: clinical testing. Allele origin: germline.
Comment: The p.A515G variant (also known as c.1544C>G) is located in coding exon 17 of the ERCC2 gene. The alanine at codon 515 is replaced by glycine, an amino acid with similar properties. This change occurs in the first base pair of coding exon 17. This amino acid position is conserved. In addition, the in silico prediction for this alteration is inconclusive. Since supporting evidence is limited at this time, the clinical significance of this alteration remains unclear.

NM_000400.4(ERCC2):c.1544C>G (p.Ala515Gly)

Gene: ERCC2 (ERCC excision repair 2, TFIIH core complex helicase subunit; minus strand). Cytogenetic location: 19q13.32.
Variant type: single nucleotide variant.
Coding change: c.1544C>G on transcript NM_000400.4 (MANE Select); coding-DNA position 1544, C replaced by G.
Protein change: p.Ala515Gly; replaces alanine 515 with glycine.
Molecular consequence: missense variant.
Genome position (GRCh38, 1-based): chr19:45,354,851, G>C on the plus strand (C>G on the coding strand, the complement: ERCC2 is on the minus strand). VCF-style: chr19-45354851-G-C. GRCh37 (hg19) VCF-style: chr19-45858109-G-C.
Other names: short protein forms A515G.
Identifiers: ClinVar variation 2586784 (VCV002586784.2), dbSNP rs2123237816, ClinGen allele CA406365630.
Genomic context (GRCh38, chr19:45,354,851, plus strand): 5'-ATGCCATCAGGGACCACAGCGGACATCTCCAGCAGGAGGTTCCCATAGTTCCGGATCACA[G>C]CTGCAAGGGGTCAGAGGTTGGGCCCTCTCCTGGCCCAGGTCCTCCTCCCTTCTCTGTCTT-3'
Protein context (NP_000391.1, residues 505-525): SSKFETREDI[Ala515Gly]VIRNYGNLLL